The following is an entry in ClinVar:

NM_130468.4(CHST14):c.258A>C (p.Lys86Asn)

Gene: CHST14 (carbohydrate sulfotransferase 14; plus strand). Cytogenetic location: 15q15.1.
Variant type: single nucleotide variant.
Coding change: c.258A>C on transcript NM_130468.4 (MANE Select); coding-DNA position 258, A replaced by C.
Protein change: p.Lys86Asn; replaces lysine 86 with asparagine.
Molecular consequence: missense variant.
Genome position (GRCh38, 1-based): chr15:40,471,471, A>C. VCF-style: chr15-40471471-A-C. GRCh37 (hg19) VCF-style: chr15-40763670-A-C.
Other names: short protein forms K86N.
Identifiers: ClinVar variation 4002733 (VCV004002733.1).
Genomic context (GRCh38, chr15:40,471,471, plus strand): 5'-CGAGATGAAGCCCCTGCCCCTGCACCCGCCCGGCCGCGAGGGCACAGCCTGGCGCGGGAA[A>C]GCCCCCAAGCCTGGGGGCCTGTCCCTCAGGGCTGGGGACGCGGACTTGCAAGTGCGGCAG-3'
Protein context (NP_569735.1, residues 76-96): PGREGTAWRG[Lys86Asn]APKPGGLSLR

ClinVar aggregate classification (germline): Uncertain significance (1 of 4 stars; one submission).

Conditions:
Cardiovascular phenotype. Identifiers: MedGen CN230736.

Submission:

Ambry Genetics
Classification: Uncertain significance for Cardiovascular phenotype. Last evaluated: 2025-05-03. Review status: criteria provided, single submitter. Criteria: Ambry Variant Classification Scheme 2023. Collection method: clinical testing. Allele origin: germline.
Comment: The p.K86N variant (also known as c.258A>C), located in coding exon 1 of the CHST14 gene, results from an A to C substitution at nucleotide position 258. The lysine at codon 86 is replaced by asparagine, an amino acid with similar properties. This amino acid position is conserved. In addition, this alteration is predicted to be tolerated by in silico analysis. Based on the available evidence, the clinical significance of this variant remains unclear.